The following is an entry in ClinVar:

ClinVar aggregate classification (germline): Pathogenic (1 of 4 stars; one submission).

Conditions:
Hereditary cancer-predisposing syndrome. Also called: Neoplastic Syndromes, Hereditary; Tumor predisposition; Hereditary Cancer Syndrome; Hereditary neoplastic syndrome. Identifiers: Orphanet 140162, MedGen C0027672, MeSH D009386, MONDO:0015356.

Submission:

Ambry Genetics
Classification: Pathogenic for Hereditary cancer-predisposing syndrome. Last evaluated: 2022-10-04. Review status: criteria provided, single submitter. Criteria: Ambry Variant Classification Scheme 2023. Collection method: clinical testing. Allele origin: germline.
Comment: The c.1888_1889delACinsT pathogenic mutation, located in coding exon 9 of the BRCA2 gene, results from the deletion of two nucleotides and insertion of one nucleotide causing a translational frameshift with a predicted alternate stop codon (p.T630Yfs*14). This variant is considered to be rare based on population cohorts in the Genome Aggregation Database (gnomAD). This alteration is expected to result in loss of function by premature protein truncation or nonsense-mediated mRNA decay. As such, this alteration is interpreted as a disease-causing mutation.

NM_000059.4(BRCA2):c.1888_1889delinsT (p.Thr630fs)

Gene: BRCA2 (BRCA2 DNA repair associated; plus strand). Cytogenetic location: 13q13.1.
Variant type: Indel.
Coding change: c.1888_1889delinsT on transcript NM_000059.4 (MANE Select); coding-DNA positions 1888 to 1889, AC replaced by T.
Protein change: p.Thr630fs; shifts the reading frame from threonine 630.
Molecular consequence: frameshift variant.
Genome position (GRCh38, 1-based): chr13:32,333,366-32,333,367, AC replaced by T. VCF-style: chr13-32333366-AC-T. GRCh37 (hg19) VCF-style: chr13-32907503-AC-T.
Other names: c.1888_1889delACinsT, p.Thr630Tyrfs (NM_001406719.1, NM_001406720.1, NM_001406721.1); short protein forms T630fs.
Identifiers: ClinVar variation 1782004 (VCV001782004.2), dbSNP rs2548521270, ClinGen allele CA2580087160.